The following is an entry in ClinVar:

ClinVar aggregate classification (germline): Uncertain significance. Review status: criteria provided, multiple submitters, no conflicts (2 of 4 stars). 3 submissions from 3 submitters: Uncertain significance (3). Last evaluated 2023-03-29.

Allele frequency attached by ClinVar (database versions not stated): ExAC 0.00001; gnomAD exomes 0.00001; gnomAD 0.00003 and 0.00004; TOPMed 0.00003; ESP Exome Variant Server 0.00008.
gnomAD v4.1: 7 of 1,614,050 alleles (0.00043%); highest among the groups gnomAD compares: African/African-American, 0.0093%; no homozygotes.

Submissions (3):

GeneDx
Classification: Uncertain significance. Last evaluated: 2023-03-29. Review status: criteria provided, single submitter. Criteria: GeneDx Variant Classification Process June 2021. Collection method: clinical testing. Allele origin: germline. Affected: yes.
Comment: In silico analysis supports that this missense variant does not alter protein structure/function; Has not been previously published as pathogenic or benign to our knowledge

Labcorp Genetics (formerly Invitae), Labcorp
Classification: Uncertain significance. Last evaluated: 2021-05-26. Review status: criteria provided, single submitter. Criteria: Invitae Variant Classification Sherloc (09022015). Collection method: clinical testing. Allele origin: germline.
Comment: In summary, the available evidence is currently insufficient to determine the role of this variant in disease. Therefore, it has been classified as a Variant of Uncertain Significance. Algorithms developed to predict the effect of missense changes on protein structure and function (SIFT, PolyPhen-2, Align-GVGD) all suggest that this variant is likely to be tolerated, but these predictions have not been confirmed by published functional studies and their clinical significance is uncertain. This variant has not been reported in the literature in individuals with TECTA-related conditions. ClinVar contains an entry for this variant (Variation ID: 930098). This variant is present in population databases (rs370688947, ExAC 0.01%). This sequence change replaces alanine with serine at codon 120 of the TECTA protein (p.Ala120Ser). The alanine residue is weakly conserved and there is a moderate physicochemical difference between alanine and serine.

Laboratory for Molecular Medicine, Mass General Brigham Personalized Medicine
Classification: Uncertain significance. Last evaluated: 2020-01-14. Review status: criteria provided, single submitter. Criteria: LMM Criteria. Collection method: clinical testing. Allele origin: germline. Observed: 1 variant allele.
Comment: The p.Ala120Ser variant in TECTA has not been previously reported in individuals with hearing loss, but has been identified in 0.01% (4/24968) of African chromosomes by gnomAD. Computational prediction tools and conservation analysis suggest that this variant may not impact the protein, though this information is not predictive enough to rule out pathogenicity. In summary, the clinical significance of this variant is uncertain. ACMG/AMP Criteria applied: PM2_Supporting, BP4.

NM_005422.4(TECTA):c.358G>T (p.Ala120Ser)

Genes: TBCEL-TECTA (TBCEL-TECTA readthrough; plus strand), TECTA (tectorin alpha; plus strand). Cytogenetic location: 11q23.3.
Variant type: single nucleotide variant.
Coding change: c.358G>T on transcript NM_005422.4 (MANE Select); coding-DNA position 358, G replaced by T.
Protein change: p.Ala120Ser; replaces alanine 120 with serine.
Molecular consequence: missense variant.
Genome position (GRCh38, 1-based): chr11:121,109,370, G>T. VCF-style: chr11-121109370-G-T. GRCh37 (hg19) VCF-style: chr11-120980079-G-T.
Other names: c.1315G>T, p.Ala439Ser (NM_001378761.1); short protein forms A439S, A120S.
Identifiers: ClinVar variation 930098 (VCV000930098.12), dbSNP rs370688947, ClinGen allele CA6326483.